The following is an entry in ClinVar:

NM_206933.4(USH2A):c.269A>G (p.Tyr90Cys)

Gene: USH2A (usherin; minus strand). Cytogenetic location: 1q41.
Variant type: single nucleotide variant.
Coding change: c.269A>G on transcript NM_206933.4 (MANE Select); coding-DNA position 269, A replaced by G.
Protein change: p.Tyr90Cys; replaces tyrosine 90 with cysteine.
Molecular consequence: missense variant.
Genome position (GRCh38, 1-based): chr1:216,422,068, T>C on the plus strand (A>G on the coding strand, the complement: USH2A is on the minus strand). VCF-style: chr1-216422068-T-C. GRCh37 (hg19) VCF-style: chr1-216595410-T-C.
Other names: c.269A>G, p.Tyr90Cys (NM_007123.6); short protein forms Y90C.
Identifiers: ClinVar variation 1443145 (VCV001443145.9), dbSNP rs755435330, ClinGen allele CA1396823.

ClinVar aggregate classification (germline): Pathogenic/Likely pathogenic. Review status: criteria provided, multiple submitters, no conflicts (2 of 4 stars). 2 submissions from 2 submitters: Pathogenic (1); Likely pathogenic (1). Last evaluated 2023-06-08.

Conditions:
Retinitis pigmentosa 39 (RP39). Identifiers: Orphanet 791, MedGen C3151138, MONDO:0013436, OMIM 613809.

Allele frequency attached by ClinVar (database versions not stated): gnomAD exomes below 0.00001 and 0.00001; ExAC 0.00001.
gnomAD v4.1: 7 of 1,613,838 alleles (0.00043%); highest among the groups gnomAD compares: Non-Finnish European, 0.00034%; no homozygotes.

Submissions (2):

Baylor Genetics
Classification: Likely pathogenic for Retinitis pigmentosa 39. Last evaluated: 2023-06-08. Review status: criteria provided, single submitter. Criteria: ACMG Guidelines, 2015. Collection method: clinical testing. Allele origin: unknown.

Labcorp Genetics (formerly Invitae), Labcorp
Classification: Pathogenic. Last evaluated: 2022-10-17. Review status: criteria provided, single submitter. Criteria: Invitae Variant Classification Sherloc (09022015). Collection method: clinical testing. Allele origin: germline.
Comment: For these reasons, this variant has been classified as Pathogenic. Advanced modeling of protein sequence and biophysical properties (such as structural, functional, and spatial information, amino acid conservation, physicochemical variation, residue mobility, and thermodynamic stability) performed at Invitae indicates that this missense variant is not expected to disrupt USH2A protein function. ClinVar contains an entry for this variant (Variation ID: 1443145). This missense change has been observed in individual(s) with Usher syndrome (PMID: 25404053, 29142287). In at least one individual the data is consistent with being in trans (on the opposite chromosome) from a pathogenic variant. This variant is present in population databases (rs755435330, gnomAD 0.0009%). This sequence change replaces tyrosine, which is neutral and polar, with cysteine, which is neutral and slightly polar, at codon 90 of the USH2A protein (p.Tyr90Cys).

Literature cited by the submitters: PubMed 25404053 (cited by Labcorp Genetics (formerly Invitae), Labcorp); PubMed 29142287 (cited by Labcorp Genetics (formerly Invitae), Labcorp).